The following is an entry in ClinVar:

NM_000492.4(CFTR):c.2705del (p.Ser902fs)

Gene: CFTR (CF transmembrane conductance regulator; plus strand). Cytogenetic location: 7q31.2.
Variant type: Deletion.
Coding change: c.2705del on transcript NM_000492.4 (MANE Select); coding-DNA position 2705, one base deleted (G; older notation c.2705delG).
Protein change: p.Ser902fs; shifts the reading frame from serine 902.
Molecular consequence: frameshift variant.
Genome position (GRCh38, 1-based): chr7:117,603,579, G deleted. VCF-style (leftmost placement, unchanged base first): chr7-117603578-AG-A. GRCh37 (hg19) VCF-style: chr7-117243632-AG-A.
Other names: 2837delG; short protein forms S902fs.
Identifiers: ClinVar variation 1706071 (VCV001706071.4), dbSNP rs2485121830, ClinGen allele CA2580076329.
Genomic context (GRCh38, chr7:117,603,578, plus strand): 5'-TATTTGCTTTACAGCACTCCTCTTCAAGACAAAGGGAATAGTACTCATAGTAGAAATAAC[AG>A]CTATGCAGTGATTATCACCAGCACCAGTTCGTATTATGTGTTTTACATTTACGTGGGAGT-3'

ClinVar aggregate classification (germline): Pathogenic. Review status: criteria provided, multiple submitters, no conflicts (2 of 4 stars). 2 submissions from 2 submitters: Pathogenic (2). Last evaluated 2023-12-09.

Conditions:
Cystic fibrosis (CF). Also called: MUCOVISCIDOSIS. Identifiers: Orphanet 586, MedGen C0010674, MONDO:0009061, OMIM 219700. Disease mechanism: loss of function.

Submissions (2):

Labcorp Genetics (formerly Invitae), Labcorp
Classification: Pathogenic for Cystic fibrosis. Last evaluated: 2023-12-09. Review status: criteria provided, single submitter. Criteria: Invitae Variant Classification Sherloc (09022015). Collection method: clinical testing. Allele origin: germline.
Comment: This sequence change creates a premature translational stop signal (p.Ser902Thrfs*4) in the CFTR gene. It is expected to result in an absent or disrupted protein product. Loss-of-function variants in CFTR are known to be pathogenic (PMID: 1695717, 7691345, 9725922). This variant is not present in population databases (gnomAD no frequency). This premature translational stop signal has been observed in individual(s) with cystic fibrosis (PMID: 23276700). ClinVar contains an entry for this variant (Variation ID: 1706071). Algorithms developed to predict the effect of sequence changes on RNA splicing suggest that this variant may disrupt the consensus splice site. For these reasons, this variant has been classified as Pathogenic.

Institute of Human Genetics, University of Leipzig Medical Center
Classification: Pathogenic for Cystic fibrosis. Last evaluated: 2022-09-05. Review status: criteria provided, single submitter. Criteria: ACMG Guidelines, 2015. Collection method: curation. Allele origin: unknown. Affected: yes. Observed: 1 variant allele.
Comment: The variant was classified in the context of a project re-classifying variants in the German Cystic Fibrosis Registry (Muko.e.V.). Criteria applied: PVS1, PM3, PM2_SUP

Literature cited by the submitters: PubMed 1695717 (cited by Labcorp Genetics (formerly Invitae), Labcorp); PubMed 7691345 (cited by Labcorp Genetics (formerly Invitae), Labcorp); PubMed 9725922 (cited by Labcorp Genetics (formerly Invitae), Labcorp); PubMed 23276700 (cited by Labcorp Genetics (formerly Invitae), Labcorp).